The following is an entry in ClinVar:

NM_182643.3(DLC1):c.944G>T (p.Gly315Val)

Gene: DLC1 (DLC1 Rho GTPase activating protein; minus strand). Cytogenetic location: 8p22.
Variant type: single nucleotide variant.
Coding change: c.944G>T on transcript NM_182643.3 (MANE Select); coding-DNA position 944, G replaced by T.
Protein change: p.Gly315Val; replaces glycine 315 with valine.
Molecular consequence: missense variant. On other transcripts: 5 prime UTR variant (1).
Genome position (GRCh38, 1-based): chr8:13,499,128, C>A on the plus strand (G>T on the coding strand, the complement: DLC1 is on the minus strand). VCF-style: chr8-13499128-C-A. GRCh37 (hg19) VCF-style: chr8-13356637-C-A.
Other names: c.944G>T, p.Gly315Val (NM_001348081.2, NM_024767.5); c.-508G>T (NM_001348082.2); short protein forms G315V.
Identifiers: ClinVar variation 1050148 (VCV001050148.1), dbSNP rs1261929062, ClinGen allele CA370380803.

ClinVar aggregate classification (germline): Uncertain significance (0 of 4 stars; one submission).

Allele frequency attached by ClinVar (database versions not stated): gnomAD exomes below 0.00001 and 0.00001.
gnomAD v4.1: 3 of 1,614,164 alleles (0.00019%); highest among the groups gnomAD compares: Middle Eastern, 0.016%; no homozygotes.

Submission:

Department of Pathology and Laboratory Medicine, Sinai Health System
Classification: Uncertain significance. Review status: no assertion criteria provided. Collection method: clinical testing. Allele origin: unknown. Affected: yes. Study: The Canadian Open Genetics Repository (COGR).
Comment: The DLC1 p.Gly315Val variant was not identified in the literature nor was it identified in ClinVar, Cosmic or LOVD 3.0. The variant was identified in dbSNP (ID: rs1261929062) and in control databases in 1 of 251250 chromosomes at a frequency of 0.000004 (Genome Aggregation Database Feb 27, 2017). The variant was observed in the following population: European (non-Finnish) in 1 of 113578 chromosomes (freq: 0.000009); it was not observed in the African, Latino, Ashkenazi Jewish, East Asian, European (Finnish), Other and South Asian populations. The variant occurs outside of the splicing consensus sequence and 3 of 4 in silico or computational prediction software programs (MaxEntScan, NNSPLICE, GeneSplicer) do not predict a change in splicing. The p.Gly315 residue is conserved in mammals but not more distantly related organisms and computational analyses (PolyPhen-2, SIFT, AlignGVGD, BLOSUM, MutationTaster) provide inconsistent predictions regarding the impact to the protein; this information is not very predictive of pathogenicity. In summary, based on the above information the clinical significance of this variant cannot be determined with certainty at this time. This variant is classified as a variant of uncertain significance.